The following is an entry in ClinVar:

NM_015122.3(FCHO1):c.302G>A (p.Arg101His)

Gene: FCHO1 (FCH and mu domain containing endocytic adaptor 1; plus strand). Cytogenetic location: 19p13.11.
Variant type: single nucleotide variant.
Coding change: c.302G>A on transcript NM_015122.3 (MANE Select); coding-DNA position 302, G replaced by A.
Protein change: p.Arg101His; replaces arginine 101 with histidine.
Molecular consequence: missense variant. On other transcripts: non-coding transcript variant (34).
Genome position (GRCh38, 1-based): chr19:17,766,776, G>A. VCF-style: chr19-17766776-G-A. GRCh37 (hg19) VCF-style: chr19-17877585-G-A.
Other names: c.302G>A, p.Arg101His (NM_001161357.2, NM_001161358.2, NM_001384370.1 and 29 more transcripts); c.152G>A, p.Arg51His (NM_001161359.2, NM_001384384.1, NM_001384385.1 and 3 more transcripts); c.227G>A, p.Arg76His (NM_001384390.1); short protein forms R51H, R76H, R101H.
Identifiers: ClinVar variation 2053346 (VCV002053346.3), dbSNP rs779364469, ClinGen allele CA9300043.
Genomic context (GRCh38, chr19:17,766,776, plus strand): 5'-TGGCGCTGTGCCACCTGGAACTGACACGGAAGTTACAGGATCTCATCAAGGACGTTCTCC[G>A]CTACGGCGAGGAACAGCTCAAGACCCACAAGAAGGTGTGTGTCGTGGGCGCCGCCCAGCG-3'
Protein context (NP_055937.1, residues 91-111): KLQDLIKDVL[Arg101His]YGEEQLKTHK

ClinVar aggregate classification (germline): Uncertain significance (1 of 4 stars; one submission).

Allele frequency attached by ClinVar (database versions not stated): TOPMed 0.00001.
gnomAD v4.1: 40 of 1,614,122 alleles (0.0025%); highest among the groups gnomAD compares: East Asian, 0.071%; 1 homozygote.

Submission:

Labcorp Genetics (formerly Invitae), Labcorp
Classification: Uncertain significance. Last evaluated: 2025-08-19. Review status: criteria provided, single submitter. Criteria: Invitae Variant Classification Sherloc (09022015). Collection method: clinical testing. Allele origin: germline.
Comment: This sequence change replaces arginine, which is basic and polar, with histidine, which is basic and polar, at codon 101 of the FCHO1 protein (p.Arg101His). This variant is present in population databases (rs779364469, gnomAD 0.02%). This variant has not been reported in the literature in individuals affected with FCHO1-related conditions. ClinVar contains an entry for this variant (Variation ID: 2053346). An algorithm developed to predict the effect of missense changes on protein structure and function (PolyPhen-2) suggests that this variant is likely to be tolerated. In summary, the available evidence is currently insufficient to determine the role of this variant in disease. Therefore, it has been classified as a Variant of Uncertain Significance.